The following is an entry in ClinVar:

NM_138711.6(PPARG):c.742T>C (p.Tyr248His)

Gene: PPARG (peroxisome proliferator activated receptor gamma; plus strand). Cytogenetic location: 3p25.2.
Variant type: single nucleotide variant.
Coding change: c.742T>C on transcript NM_138711.6 (MANE Select); coding-DNA position 742, T replaced by C.
Protein change: p.Tyr248His; replaces tyrosine 248 with histidine.
Molecular consequence: missense variant. On other transcripts: intron variant (5).
Genome position (GRCh38, 1-based): chr3:12,416,716, T>C. VCF-style: chr3-12416716-T-C. GRCh37 (hg19) VCF-style: chr3-12458215-T-C.
Other names: c.742T>C, p.Tyr248His (NM_001354666.3, NM_001354667.3, NM_001374263.2 and 3 more transcripts); c.115T>C, p.Tyr39His (NM_001354669.2); c.832T>C, p.Tyr278His (NM_015869.5); c.729+10635T>C (NM_001374261.3, NM_001374262.3, NM_001330615.4); c.653+10717T>C (NM_001374266.1); c.819+10635T>C (NM_001374265.1); short protein forms Y248H, Y278H, Y39H.
Identifiers: ClinVar variation 2635288 (VCV002635288.1), dbSNP rs979542536, ClinGen allele CA70184213.
Genomic context (GRCh38, chr3:12,416,716, plus strand): 5'-GAGTTAGAAATCTCCAAGTCATCCACGTTTTCCCTGTTTTATTTGCAGCCATTCGTTATC[T>C]ATGACATGAATTCCTTAATGATGGGAGAAGATAAAATCAAGTTCAAACACATCACCCCCC-3'
Protein context (NP_619725.3, residues 238-258): KTTDKSPFVI[Tyr248His]DMNSLMMGED

ClinVar aggregate classification (germline): Uncertain significance (1 of 4 stars; one submission).

Conditions:
PPARG-related disorder. Also called: PPARG-related condition; PPARG-related disorders.

Allele frequency attached by ClinVar (database versions not stated): gnomAD exomes below 0.00001; TOPMed 0.00001.
gnomAD v4.1: 2 of 1,613,788 alleles (0.00012%); highest among the groups gnomAD compares: Non-Finnish European, 0.00017%; no homozygotes.

Submission:

PreventionGenetics, part of Exact Sciences
Classification: Uncertain significance for PPARG-related condition. Last evaluated: 2022-12-09. Review status: criteria provided, single submitter. Criteria: ACMG Guidelines, 2015. Collection method: clinical testing. Allele origin: germline.
Comment: The PPARG c.832T>C variant is predicted to result in the amino acid substitution p.Tyr278His. To our knowledge, this variant has not been reported in the literature. This variant is reported in 0.00088% of alleles in individuals of European (Non-Finnish) descent in gnomAD. At this time, the clinical significance of this variant is uncertain due to the absence of conclusive functional and genetic evidence.